The following is an entry in ClinVar:

NM_003079.5(SMARCE1):c.809T>G (p.Leu270Arg)

Gene: SMARCE1 (SWI/SNF related BAF chromatin remodeling complex subunit E1; minus strand). Cytogenetic location: 17q21.2.
Variant type: single nucleotide variant.
Coding change: c.809T>G on transcript NM_003079.5 (MANE Select); coding-DNA position 809, T replaced by G.
Protein change: p.Leu270Arg; replaces leucine 270 with arginine.
Molecular consequence: missense variant.
Genome position (GRCh38, 1-based): chr17:40,631,599, A>C on the plus strand (T>G on the coding strand, the complement: SMARCE1 is on the minus strand). VCF-style: chr17-40631599-A-C. GRCh37 (hg19) VCF-style: chr17-38787851-A-C.
Other names: short protein forms L270R.
Identifiers: ClinVar variation 4824681 (VCV004824681.1).

ClinVar aggregate classification (germline): Uncertain significance (1 of 4 stars; one submission).

Conditions:
Hereditary cancer-predisposing syndrome. Also called: Neoplastic Syndromes, Hereditary; Hereditary neoplastic syndrome; Tumor predisposition; Hereditary Cancer Syndrome. Identifiers: Orphanet 140162, MedGen C0027672, MeSH D009386, MONDO:0015356.

Submission:

Ambry Genetics
Classification: Uncertain significance for Hereditary cancer-predisposing syndrome. Last evaluated: 2026-01-08. Review status: criteria provided, single submitter. Criteria: Ambry Variant Classification Scheme 2023. Collection method: clinical testing. Allele origin: germline.
Comment: The p.L270R variant (also known as c.809T>G), located in coding exon 8 of the SMARCE1 gene, results from a T to G substitution at nucleotide position 809. The leucine at codon 270 is replaced by arginine, an amino acid with dissimilar properties. In addition, this alteration is predicted to be deleterious by in silico analysis. In silico splice site analysis predicts that this alteration will result in the creation or strengthening of a novel splice donor site. RNA studies have demonstrated that this alteration does not result in abnormal splicing in the set of samples tested (Ambry internal data). Based on the available evidence, the clinical significance of this variant remains unclear.